The following is an entry in ClinVar:

NM_014249.4(NR2E3):c.1049A>G (p.Gln350Arg)

Gene: NR2E3 (nuclear receptor subfamily 2 group E member 3; plus strand). Cytogenetic location: 15q23.
Variant type: single nucleotide variant.
Coding change: c.1049A>G on transcript NM_014249.4 (MANE Select); coding-DNA position 1049, A replaced by G.
Protein change: p.Gln350Arg; replaces glutamine 350 with arginine.
Molecular consequence: missense variant.
Genome position (GRCh38, 1-based): chr15:71,814,066, A>G. VCF-style: chr15-71814066-A-G. GRCh37 (hg19) VCF-style: chr15-72106407-A-G.
Other names: c.1049A>G (NM_014249.3, NM_014249.2); c.1049A>G, p.Gln350Arg (NM_016346.4); short protein forms Q350R.
Identifiers: ClinVar variation 2137725 (VCV002137725.7), dbSNP rs756678889, ClinGen allele CA7640484.

ClinVar aggregate classification (germline): Conflicting classifications of pathogenicity. Review status: criteria provided, conflicting classifications (1 of 4 stars). 6 submissions from 6 submitters: Likely pathogenic (4); Uncertain significance (2). Last evaluated 2025-09-17.

Conditions:
Enhanced S-cone syndrome (ESCS). Identifiers: Orphanet 53540, MedGen C1849394, MONDO:0100288, MONDO:0009989.
Retinitis pigmentosa 37 (RP37). Identifiers: Orphanet 791, MedGen C1970163, MONDO:0012625, OMIM 611131.
Retinal dystrophy. Also called: Inherited retinal dystrophy. Identifiers: Orphanet 71862, MedGen C0854723, MeSH D058499, MONDO:0019118, HP:0000556.

Allele frequency attached by ClinVar (database versions not stated): gnomAD exomes below 0.00001; gnomAD 0.00001; ExAC 0.00002.

Submissions (6):

Natera, Inc.
Classification: Likely pathogenic for Enhanced S cone syndrome. Last evaluated: 2025-09-17. Review status: criteria provided, single submitter. Criteria: Natera Variant Classification Schema (03/2026). Collection method: clinical testing. Allele origin: germline.
Comment: The c.1049A>G variant in NR2E3 is a missense variant predicted to cause substitution of glutamine to arginine at amino acid 350. This variant is rare in the general population with a frequency below the threshold expected for the associated phenotype(s). This variant has been observed in one or more individuals affected with the associated recessive disease, as either homozygous or compound heterozygous with a second variant (PMID: 19139342, 35836572). This variant has been identified in one or more affected individual with a phenotype highly consistent with the associated gene (PMID:35836572). Computational prediction algorithms indicate this variant is likely to affect gene or protein function. Given the available evidence, this variant is classified as Likely Pathogenic.

Fulgent Genetics
Classification: Likely pathogenic for ENHANCED S-CONE SYNDROME 1; Retinitis pigmentosa 37. Last evaluated: 2024-06-05. Review status: criteria provided, single submitter. Criteria: ACMG Guidelines, 2015. Collection method: clinical testing. Allele origin: germline.

Women's Health and Genetics/Laboratory Corporation of America, LabCorp
Classification: Uncertain significance. Last evaluated: 2024-06-03. Review status: criteria provided, single submitter. Criteria: LabCorp Variant Classification Summary - May 2015. Collection method: clinical testing. Allele origin: germline.
Comment: Variant summary: NR2E3 c.1049A>G (p.Gln350Arg) results in a conservative amino acid change located in the Nuclear hormone receptor, ligand-binding domain (IPR000536) of the encoded protein sequence. Two of four in-silico tools predict a benign effect of the variant on protein function. The variant allele was found at a frequency of 8.1e-06 in 247140 control chromosomes. c.1049A>G has been reported in the literature in individuals affected with Retinitis Pigmentosa and enhanced S-cone syndrome (examples: Pachydaki_2009, Karali_2022 and Maltese_2022). These data indicate that the variant may be associated with disease. At least one publication reports experimental evidence evaluating an impact on protein function, however, does not allow convincing conclusions about the variant effect (Fulton_2017). The following publications have been ascertained in the context of this evaluation (PMID: 28300834, 36460718, 35836572, 19139342). ClinVar contains an entry for this variant (Variation ID: 2137725). Based on the evidence outlined above, the variant was classified as VUS-possibly pathogenic.

Baylor Genetics
Classification: Likely pathogenic for ENHANCED S-CONE SYNDROME 1. Last evaluated: 2024-03-26. Review status: criteria provided, single submitter. Criteria: ACMG Guidelines, 2015. Collection method: clinical testing. Allele origin: unknown.

Labcorp Genetics (formerly Invitae), Labcorp
Classification: Uncertain significance. Last evaluated: 2022-04-23. Review status: criteria provided, single submitter. Criteria: Invitae Variant Classification Sherloc (09022015). Collection method: clinical testing. Allele origin: germline.
Comment: This sequence change replaces glutamine, which is neutral and polar, with arginine, which is basic and polar, at codon 350 of the NR2E3 protein (p.Gln350Arg). This variant is present in population databases (rs756678889, gnomAD 0.002%). This missense change has been observed in individual(s) with Goldmann-Favre syndrome (PMID: 19139342). Algorithms developed to predict the effect of variants on protein structure and function are not available or were not evaluated for this variant. Experimental studies have shown that this missense change affects NR2E3 function (PMID: 28300834). In summary, the available evidence is currently insufficient to determine the role of this variant in disease. Therefore, it has been classified as a Variant of Uncertain Significance.

Institute of Human Genetics, Univ. Regensburg, Univ. Regensburg
Classification: Likely pathogenic for Retinal dystrophy. Last evaluated: 2017-01-01. Review status: criteria provided, single submitter. Criteria: ACMG Guidelines, 2015. Collection method: clinical testing. Allele origin: germline. Affected: yes.

Literature cited by the submitters: PubMed 19139342 (cited by 4 submitters); PubMed 35836572 (cited by 3 submitters); PubMed 36460718 (cited by Women's Health and Genetics/Laboratory Corporation of America, LabCorp and Institute of Human Genetics, Univ. Regensburg, Univ. Regensburg); PubMed 28300834 (cited by Women's Health and Genetics/Laboratory Corporation of America, LabCorp and Labcorp Genetics (formerly Invitae), Labcorp); PubMed 31964843 (cited by Institute of Human Genetics, Univ. Regensburg, Univ. Regensburg).